The following is an entry in ClinVar:

NM_001711.6(BGN):c.68G>C (p.Gly23Ala)

Gene: BGN (biglycan; plus strand). Cytogenetic location: Xq28.
Variant type: single nucleotide variant.
Coding change: c.68G>C on transcript NM_001711.6 (MANE Select); coding-DNA position 68, G replaced by C.
Protein change: p.Gly23Ala; replaces glycine 23 with alanine.
Molecular consequence: missense variant.
Genome position (GRCh38, 1-based): chrX:153,504,699, G>C. VCF-style: chrX-153504699-G-C. GRCh37 (hg19) VCF-style: chrX-152770157-G-C.
Other names: short protein forms G23A.
Identifiers: ClinVar variation 1013933 (VCV001013933.8), dbSNP rs782728797, ClinGen allele CA10547117.

ClinVar aggregate classification (germline): Uncertain significance. Review status: criteria provided, multiple submitters, no conflicts (2 of 4 stars). 2 submissions from 2 submitters: Uncertain significance (2). Last evaluated 2020-09-09.

Allele frequency attached by ClinVar (database versions not stated): ExAC 0.00001; gnomAD exomes 0.00001.
gnomAD v4.1: 1 of 1,212,027 alleles (0.000083%); highest among the groups gnomAD compares: South Asian, 0.0018%; no homozygotes.

Submissions (2):

Blueprint Genetics
Classification: Uncertain significance. Last evaluated: 2020-09-09. Review status: criteria provided, single submitter. Criteria: ACMG Guidelines, 2015. Collection method: clinical testing. Allele origin: germline.

Labcorp Genetics (formerly Invitae), Labcorp
Classification: Uncertain significance. Last evaluated: 2020-08-08. Review status: criteria provided, single submitter. Criteria: Invitae Variant Classification Sherloc (09022015). Collection method: clinical testing. Allele origin: germline.
Comment: In summary, the available evidence is currently insufficient to determine the role of this variant in disease. Therefore, it has been classified as a Variant of Uncertain Significance. Algorithms developed to predict the effect of missense changes on protein structure and function output the following: SIFT: "Not Available"; PolyPhen-2: "Benign"; Align-GVGD: "Not Available". The alanine amino acid residue is found in multiple mammalian species, suggesting that this missense change does not adversely affect protein function. These predictions have not been confirmed by published functional studies and their clinical significance is uncertain. This variant has not been reported in the literature in individuals with BGN-related conditions. This variant is present in population databases (rs782728797, ExAC 0.02%). This sequence change replaces glycine with alanine at codon 23 of the BGN protein (p.Gly23Ala). The glycine residue is moderately conserved and there is a small physicochemical difference between glycine and alanine.